The following is an entry in ClinVar:

ClinVar aggregate classification (germline): Pathogenic (1 of 4 stars; one submission).

Conditions:
DICER1-related tumor predisposition. Also called: DICER1-related pleuropulmonary blastoma cancer predisposition syndrome; DICER1 syndrome. Identifiers: Orphanet 284343, MedGen C3839822, MONDO:0100216.

Submission:

Labcorp Genetics (formerly Invitae), Labcorp
Classification: Pathogenic for DICER1-related tumor predisposition. Last evaluated: 2023-10-03. Review status: criteria provided, single submitter. Criteria: Invitae Variant Classification Sherloc (09022015). Collection method: clinical testing. Allele origin: germline.
Comment: This sequence change creates a premature translational stop signal (p.Lys1019*) in the DICER1 gene. It is expected to result in an absent or disrupted protein product. Loss-of-function variants in DICER1 are known to be pathogenic (PMID: 19556464, 21266384). This variant is not present in population databases (gnomAD no frequency). This variant has not been reported in the literature in individuals affected with DICER1-related conditions. For these reasons, this variant has been classified as Pathogenic.

Literature cited by the submitters: PubMed 19556464; PubMed 21266384.

NM_177438.3(DICER1):c.3055A>T (p.Lys1019Ter)

Gene: DICER1 (dicer 1, ribonuclease III; minus strand). Cytogenetic location: 14q32.13.
Variant type: single nucleotide variant.
Coding change: c.3055A>T on transcript NM_177438.3 (MANE Select); coding-DNA position 3055, A replaced by T.
Protein change: p.Lys1019Ter; replaces lysine 1019 with a stop codon.
Molecular consequence: nonsense. On other transcripts: non-coding transcript variant (6).
Genome position (GRCh38, 1-based): chr14:95,105,716, T>A on the plus strand (A>T on the coding strand, the complement: DICER1 is on the minus strand). VCF-style: chr14-95105716-T-A. GRCh37 (hg19) VCF-style: chr14-95572053-T-A.
Other names: c.3055A>T, p.Lys1019Ter (NM_001195573.1, NM_001271282.3, NM_001291628.2 and 13 more transcripts); c.2773A>T, p.Lys925Ter (NM_001395686.1); c.2650A>T, p.Lys884Ter (NM_001395687.1, NM_001395688.1, NM_001395689.1 and 2 more transcripts); c.2488A>T, p.Lys830Ter (NM_001395691.1); c.1372A>T, p.Lys458Ter (NM_001395697.1); short protein forms K1019*, K884*, K925*, K458*, K830*.
Identifiers: ClinVar variation 2764820 (VCV002764820.3), dbSNP rs2542773787, ClinGen allele CA390878169.
Genomic context (GRCh38, chr14:95,105,716, plus strand): 5'-GCTAGTACAATTAACTCATTACCTGTTTATTCTGCAGACTTTCCCATTTGGCTTTCCTCT[T>A]CTCAGCACTGCTTAAAGGAAGCGCTTTCCCCTTCTGATTCAAATGTCGAGGTGTCAAAAG-3'